The following is an entry in ClinVar:

NM_016188.5(ACTL6B):c.520A>G (p.Thr174Ala)

Gene: ACTL6B (actin like 6B; minus strand). Cytogenetic location: 7q22.1.
Variant type: single nucleotide variant.
Coding change: c.520A>G on transcript NM_016188.5 (MANE Select); coding-DNA position 520, A replaced by G.
Protein change: p.Thr174Ala; replaces threonine 174 with alanine.
Molecular consequence: missense variant. On other transcripts: non-coding transcript variant (1).
Genome position (GRCh38, 1-based): chr7:100,648,771, T>C on the plus strand (A>G on the coding strand, the complement: ACTL6B is on the minus strand). VCF-style: chr7-100648771-T-C. GRCh37 (hg19) VCF-style: chr7-100246394-T-C.
Other names: short protein forms T174A.
Identifiers: ClinVar variation 1414282 (VCV001414282.6), dbSNP rs1803873862, ClinGen allele CA368545725.

ClinVar aggregate classification (germline): Uncertain significance (1 of 4 stars; one submission).

Allele frequency attached by ClinVar (database versions not stated): gnomAD exomes below 0.00001; TOPMed below 0.00001.
gnomAD v4.1: 1 of 1,614,072 alleles (0.000062%); highest among the groups gnomAD compares: Non-Finnish European, 0.000085%; no homozygotes.

Submission:

Labcorp Genetics (formerly Invitae), Labcorp
Classification: Uncertain significance. Last evaluated: 2021-08-31. Review status: criteria provided, single submitter. Criteria: Invitae Variant Classification Sherloc (09022015). Collection method: clinical testing. Allele origin: germline.
Comment: This variant is not present in population databases (ExAC no frequency). This sequence change replaces threonine with alanine at codon 174 of the ACTL6B protein (p.Thr174Ala). The threonine residue is highly conserved and there is a small physicochemical difference between threonine and alanine. This variant has not been reported in the literature in individuals affected with ACTL6B-related conditions. In summary, the available evidence is currently insufficient to determine the role of this variant in disease. Therefore, it has been classified as a Variant of Uncertain Significance. Algorithms developed to predict the effect of missense changes on protein structure and function (SIFT, PolyPhen-2, Align-GVGD) all suggest that this variant is likely to be disruptive.